The following is an entry in ClinVar:

NM_032578.4(MYPN):c.1944G>C (p.Glu648Asp)

Gene: MYPN (myopalladin; plus strand). Cytogenetic location: 10q21.3.
Variant type: single nucleotide variant.
Coding change: c.1944G>C on transcript NM_032578.4 (MANE Select); coding-DNA position 1944, G replaced by C.
Protein change: p.Glu648Asp; replaces glutamic acid 648 with aspartic acid.
Molecular consequence: missense variant. On other transcripts: non-coding transcript variant (2).
Genome position (GRCh38, 1-based): chr10:68,166,637, G>C. VCF-style: chr10-68166637-G-C. GRCh37 (hg19) VCF-style: chr10-69926394-G-C.
Other names: c.1944G>C, p.Glu648Asp (NM_001256267.2); c.1062G>C, p.Glu354Asp (NM_001256268.2); short protein forms E354D, E648D.
Identifiers: ClinVar variation 2254691 (VCV002254691.3), dbSNP rs151017803, ClinGen allele CA5522687.
Genomic context (GRCh38, chr10:68,166,637, plus strand): 5'-CCAGGAGAGGTTCAACGGACAGGCAACAAAAACCCCAGAGCCTTCTTCCCCCGTGAAAGA[G>C]CCCCCTCCAGTTCTGGCCAAACCCAAACTGTAAGTAAAAAGTAGGATGAATAACCAGGAG-3'
Protein context (NP_115967.2, residues 638-658): KTPEPSSPVK[Glu648Asp]PPPVLAKPKL

ClinVar aggregate classification (germline): Uncertain significance (1 of 4 stars; one submission).

Conditions:
Cardiovascular phenotype. Identifiers: MedGen CN230736.

Allele frequency attached by ClinVar (database versions not stated): 1000 Genomes Project 0.00020; 1000 Genomes Project 30x 0.00031.
gnomAD v4.1: 2 of 1,614,004 alleles (0.00012%); highest among the groups gnomAD compares: African/African-American, 0.0027%; no homozygotes.

Submission:

Ambry Genetics
Classification: Uncertain significance for Cardiovascular phenotype. Last evaluated: 2024-05-03. Review status: criteria provided, single submitter. Criteria: Ambry Variant Classification Scheme 2023. Collection method: clinical testing. Allele origin: germline.
Comment: The p.E648D variant (also known as c.1944G>C), located in coding exon 9 of the MYPN gene, results from a G to C substitution at nucleotide position 1944. The glutamic acid at codon 648 is replaced by aspartic acid, an amino acid with highly similar properties. This amino acid position is conserved. In addition, the in silico prediction for this alteration is inconclusive. Based on the available evidence, the clinical significance of this variant remains unclear.